The following is an entry in ClinVar:

ClinVar aggregate classification (germline): Uncertain significance (1 of 4 stars; one submission).

Allele frequency attached by ClinVar (database versions not stated): TOPMed 0.00002.
gnomAD v4.1: 43 of 1,532,466 alleles (0.0028%); highest among the groups gnomAD compares: Non-Finnish European, 0.0037%; no homozygotes.

Submission:

Labcorp Genetics (formerly Invitae), Labcorp
Classification: Uncertain significance. Last evaluated: 2022-10-01. Review status: criteria provided, single submitter. Criteria: Invitae Variant Classification Sherloc (09022015). Collection method: clinical testing. Allele origin: germline.
Comment: This sequence change replaces aspartic acid, which is acidic and polar, with tyrosine, which is neutral and polar, at codon 14 of the MESP2 protein (p.Asp14Tyr). This variant is present in population databases (no rsID available, gnomAD 0.002%). This variant has not been reported in the literature in individuals affected with MESP2-related conditions. Algorithms developed to predict the effect of missense changes on protein structure and function are either unavailable or do not agree on the potential impact of this missense change (SIFT: "Deleterious"; PolyPhen-2: "Probably Damaging"; Align-GVGD: "Class C0"). In summary, the available evidence is currently insufficient to determine the role of this variant in disease. Therefore, it has been classified as a Variant of Uncertain Significance.

NM_001039958.2(MESP2):c.40G>T (p.Asp14Tyr)

Gene: MESP2 (mesoderm posterior bHLH transcription factor 2; plus strand). Cytogenetic location: 15q26.1.
Variant type: single nucleotide variant.
Coding change: c.40G>T on transcript NM_001039958.2 (MANE Select); coding-DNA position 40, G replaced by T.
Protein change: p.Asp14Tyr; replaces aspartic acid 14 with tyrosine.
Molecular consequence: missense variant.
Genome position (GRCh38, 1-based): chr15:89,776,397, G>T. VCF-style: chr15-89776397-G-T. GRCh37 (hg19) VCF-style: chr15-90319628-G-T.
Other names: short protein forms D14Y.
Identifiers: ClinVar variation 2162892 (VCV002162892.1), dbSNP rs931639829, ClinGen allele CA274596763.